The following is an entry in ClinVar:

ClinVar aggregate classification (germline): Uncertain significance. Review status: criteria provided, multiple submitters, no conflicts (2 of 4 stars). 4 submissions from 4 submitters: Uncertain significance (4). Last evaluated 2024-11-11.

Conditions:
Donnai-Barrow syndrome. Also called: FACIOOCULOACOUSTICORENAL SYNDROME; DBS/FOAR SYNDROME. Identifiers: Orphanet 2143, MedGen C1857277, MONDO:0009104, OMIM 222448.

Allele frequency attached by ClinVar (database versions not stated): gnomAD 0.00001 and 0.00004; TOPMed 0.00002; gnomAD exomes 0.00006; ExAC 0.00008.
gnomAD v4.1: 86 of 1,613,948 alleles (0.0053%); highest among the groups gnomAD compares: South Asian, 0.074%; no homozygotes.

Submissions (4):

Labcorp Genetics (formerly Invitae), Labcorp
Classification: Uncertain significance. Last evaluated: 2024-11-11. Review status: criteria provided, single submitter. Criteria: Invitae Variant Classification Sherloc (09022015). Collection method: clinical testing. Allele origin: germline.
Comment: This sequence change replaces arginine, which is basic and polar, with tryptophan, which is neutral and slightly polar, at codon 402 of the LRP2 protein (p.Arg402Trp). This variant is present in population databases (rs780687414, gnomAD 0.04%). This variant has not been reported in the literature in individuals affected with LRP2-related conditions. ClinVar contains an entry for this variant (Variation ID: 892881). Invitae Evidence Modeling of protein sequence and biophysical properties (such as structural, functional, and spatial information, amino acid conservation, physicochemical variation, residue mobility, and thermodynamic stability) indicates that this missense variant is not expected to disrupt LRP2 protein function with a negative predictive value of 80%. In summary, the available evidence is currently insufficient to determine the role of this variant in disease. Therefore, it has been classified as a Variant of Uncertain Significance.

Blueprint Genetics
Classification: Uncertain significance. Last evaluated: 2024-03-18. Review status: criteria provided, single submitter. Criteria: ACMG Guidelines, 2015. Collection method: clinical testing. Allele origin: germline.

Fulgent Genetics
Classification: Uncertain significance for Donnai-Barrow syndrome. Last evaluated: 2022-05-18. Review status: criteria provided, single submitter. Criteria: ACMG Guidelines, 2015. Collection method: clinical testing. Allele origin: unknown.

Illumina Laboratory Services, Illumina
Classification: Uncertain significance for Donnai-Barrow syndrome. Last evaluated: 2018-01-13. Review status: criteria provided, single submitter. Criteria: ICSL Variant Classification Criteria 13 December 2019. Collection method: clinical testing. Allele origin: germline.

NM_004525.3(LRP2):c.1204C>T (p.Arg402Trp)

Gene: LRP2 (LDL receptor related protein 2; minus strand). Cytogenetic location: 2q31.1.
Variant type: single nucleotide variant.
Coding change: c.1204C>T on transcript NM_004525.3 (MANE Select); coding-DNA position 1204, C replaced by T.
Protein change: p.Arg402Trp; replaces arginine 402 with tryptophan.
Molecular consequence: missense variant.
Genome position (GRCh38, 1-based): chr2:169,280,487, G>A on the plus strand (C>T on the coding strand, the complement: LRP2 is on the minus strand). VCF-style: chr2-169280487-G-A. GRCh37 (hg19) VCF-style: chr2-170136997-G-A.
Other names: short protein forms R402W.
Identifiers: ClinVar variation 892881 (VCV000892881.9), dbSNP rs780687414, ClinGen allele CA1955620.
Genomic context (GRCh38, chr2:169,280,487, plus strand): 5'-TCTGAGACTCCACTAGGATCCGGAAGCTCCTTCCATGAATATCACCAATTAACAAATCCC[G>A]ACCATTGGAGAAGATAATGGAGGCCTCGCCAACTAAATGCGAAGAAGGAAGGCATCACCA-3'
Protein context (NP_004516.2, residues 392-412): GEASIIFSNG[Arg402Trp]DLLIGDIHGR